The following is an entry in ClinVar:

ClinVar aggregate classification (germline): Likely pathogenic (1 of 4 stars; one submission).

Conditions:
Werner syndrome (WRN). Identifiers: Orphanet 902, MedGen C0043119, MONDO:0010196, OMIM 277700.

Submission:

Labcorp Genetics (formerly Invitae), Labcorp
Classification: Likely pathogenic for Werner syndrome. Last evaluated: 2021-10-31. Review status: criteria provided, single submitter. Criteria: Invitae Variant Classification Sherloc (09022015). Collection method: clinical testing. Allele origin: germline.
Comment: This variant is not present in population databases (gnomAD no frequency). This variant has not been reported in the literature in individuals affected with WRN-related conditions. Algorithms developed to predict the effect of sequence changes on RNA splicing suggest that this variant may disrupt the consensus splice site. In summary, the currently available evidence indicates that the variant is pathogenic, but additional data are needed to prove that conclusively. Therefore, this variant has been classified as Likely Pathogenic. This sequence change affects a donor splice site in intron 29 of the WRN gene. It is expected to disrupt RNA splicing. Variants that disrupt the donor or acceptor splice site typically lead to a loss of protein function (PMID: 16199547), and loss-of-function variants in WRN are known to be pathogenic (PMID: 16673358).

Literature cited by the submitters: PubMed 16199547; PubMed 16673358.

NM_000553.6(WRN):c.3459+2T>G

Gene: WRN (WRN RecQ like helicase; plus strand). Cytogenetic location: 8p12.
Variant type: single nucleotide variant.
Coding change: c.3459+2T>G on transcript NM_000553.6 (MANE Select); the canonical splice donor site of the intron after coding-DNA position 3459, T replaced by G.
Molecular consequence: splice donor variant.
Genome position (GRCh38, 1-based): chr8:31,147,130, T>G. VCF-style: chr8-31147130-T-G. GRCh37 (hg19) VCF-style: chr8-31004646-T-G.
Identifiers: ClinVar variation 1349010 (VCV001349010.6), dbSNP rs2130439413, ClinGen allele CA370925590.